The following is an entry in ClinVar:

NM_133379.5(TTN):c.12886C>G (p.Pro4296Ala)

Gene: TTN (titin; minus strand). Cytogenetic location: 2q31.2.
Variant type: single nucleotide variant.
Coding change: c.12886C>G on transcript NM_133379.5; coding-DNA position 12886, C replaced by G.
Protein change: p.Pro4296Ala; replaces proline 4296 with alanine.
Molecular consequence: missense variant. On other transcripts: intron variant (6).
Genome position (GRCh38, 1-based): chr2:178,749,514, G>C on the plus strand (C>G on the coding strand, the complement: TTN is on the minus strand). VCF-style: chr2-178749514-G-C. GRCh37 (hg19) VCF-style: chr2-179614241-G-C.
Other names: c.10222+3610C>G (NM_003319.4); c.10798+3610C>G (NM_133437.4); c.10597+3610C>G (NM_133432.3); c.10360+3610C>G (NM_133378.4, NM_001256850.1); c.11311+3610C>G (NM_001267550.2); short protein forms P4296A.
Identifiers: ClinVar variation 598574 (VCV000598574.7), dbSNP rs144372815, ClinGen allele CA2003488.

ClinVar aggregate classification (germline): Conflicting classifications of pathogenicity. Review status: criteria provided, conflicting classifications (1 of 4 stars). 3 submissions from 3 submitters: Uncertain significance (2); Likely benign (1). Last evaluated 2025-12-17.

Conditions:
TTN-related disorder. Also called: TTN-related condition; TTN-related disease; TTN-related disorders.

Allele frequency attached by ClinVar (database versions not stated): TOPMed 0.00003; ESP Exome Variant Server 0.00008; gnomAD 0.00013.
gnomAD v4.1: 84 of 1,612,732 alleles (0.0052%); highest among the groups gnomAD compares: Admixed American, 0.0084%; no homozygotes.

Submissions (3):

PreventionGenetics, part of Exact Sciences
Classification: Uncertain significance for TTN-related condition. Last evaluated: 2025-12-17. Review status: criteria provided, single submitter. Criteria: ACMG Guidelines, 2015. Collection method: clinical testing. Allele origin: germline.
Comment: The TTN c.11311+3610C>G variant is predicted to interfere with splicing. Of note, this variant is also referred to as c.12886C>G (p.Pro4296Ala), located in exon 46 of the alternative Novex-3 transcript NM_133379 (minor small cardiac isoform). This exon is not included in any other TTN transcripts (principle cardiac or skeletal muscle isoforms). To our knowledge, this variant has not been reported in the literature. This variant is reported in 0.028% of alleles in individuals of European (Finnish) descent in gnomAD. At this time, the clinical significance of this variant is uncertain due to the absence of conclusive functional and genetic evidence.

Blueprint Genetics
Classification: Likely benign. Last evaluated: 2023-05-19. Review status: criteria provided, single submitter. Criteria: ACMG Guidelines, 2015. Collection method: clinical testing. Allele origin: germline.

Eurofins Ntd Llc (ga)
Classification: Uncertain significance. Last evaluated: 2018-08-30. Review status: criteria provided, single submitter. Criteria: EGL ClinVar v180209 classification definitions. Collection method: clinical testing. Allele origin: germline. Observed: 1 variant allele, 1 heterozygote.